The following is an entry in ClinVar:

NM_182493.3(MYLK3):c.476A>G (p.Glu159Gly)

Gene: MYLK3 (myosin light chain kinase 3; minus strand). Cytogenetic location: 16q11.2.
Variant type: single nucleotide variant.
Coding change: c.476A>G on transcript NM_182493.3 (MANE Select); coding-DNA position 476, A replaced by G.
Protein change: p.Glu159Gly; replaces glutamic acid 159 with glycine.
Molecular consequence: missense variant. On other transcripts: intron variant (1).
Genome position (GRCh38, 1-based): chr16:46,747,718, T>C on the plus strand (A>G on the coding strand, the complement: MYLK3 is on the minus strand). VCF-style: chr16-46747718-T-C. GRCh37 (hg19) VCF-style: chr16-46781630-T-C.
Other names: c.-113-7571A>G (NM_001308301.1); short protein forms E159G.
Identifiers: ClinVar variation 2780630 (VCV002780630.3), dbSNP rs1366983073, ClinGen allele CA395796728.

ClinVar aggregate classification (germline): Uncertain significance (1 of 4 stars; one submission).

Allele frequency attached by ClinVar (database versions not stated): gnomAD exomes 0.00002.
gnomAD v4.1: 30 of 1,609,360 alleles (0.0019%); highest among the groups gnomAD compares: Non-Finnish European, 0.0025%; no homozygotes.

Submission:

Labcorp Genetics (formerly Invitae), Labcorp
Classification: Uncertain significance. Last evaluated: 2024-01-18. Review status: criteria provided, single submitter. Criteria: Invitae Variant Classification Sherloc (09022015). Collection method: clinical testing. Allele origin: germline.
Comment: This sequence change replaces glutamic acid, which is acidic and polar, with glycine, which is neutral and non-polar, at codon 159 of the MYLK3 protein (p.Glu159Gly). This variant is present in population databases (no rsID available, gnomAD 0.0009%). This variant has not been reported in the literature in individuals affected with MYLK3-related conditions. An algorithm developed to predict the effect of missense changes on protein structure and function (PolyPhen-2) suggests that this variant is likely to be disruptive. Algorithms developed to predict the effect of sequence changes on RNA splicing suggest that this variant may disrupt the consensus splice site. In summary, the available evidence is currently insufficient to determine the role of this variant in disease. Therefore, it has been classified as a Variant of Uncertain Significance.